The following is an entry in ClinVar:

NM_016128.4(COPG1):c.718C>G (p.Leu240Val)

Gene: COPG1 (coat protein complex I subunit gamma 1; plus strand). Cytogenetic location: 3q21.3.
Variant type: single nucleotide variant.
Coding change: c.718C>G on transcript NM_016128.4 (MANE Select); coding-DNA position 718, C replaced by G.
Protein change: p.Leu240Val; replaces leucine 240 with valine.
Molecular consequence: missense variant.
Genome position (GRCh38, 1-based): chr3:129,257,608, C>G. VCF-style: chr3-129257608-C-G. GRCh37 (hg19) VCF-style: chr3-128976451-C-G.
Other names: NC_000003.11:g.128976451C>G; short protein forms L240V.
Identifiers: ClinVar variation 2688328 (VCV002688328.4), dbSNP rs62266876, ClinGen allele CA2603657.

ClinVar aggregate classification (germline): Benign/Likely benign. Review status: criteria provided, multiple submitters, no conflicts (2 of 4 stars). 2 submissions from 2 submitters: Benign (1); Likely benign (1). Last evaluated 2026-01-21.

Allele frequency attached by ClinVar (database versions not stated): TOPMed 0.08052; ESP Exome Variant Server 0.08135; ExAC 0.08594; gnomAD exomes 0.08798; 1000 Genomes Project 0.05172; 1000 Genomes Project 30x 0.05294; gnomAD 0.07638.
gnomAD v4.1: 140,190 of 1,614,158 alleles (8.7%); highest among the groups gnomAD compares: Middle Eastern, 15%; 6,479 homozygotes.

Submissions (22):

Women's Health and Genetics/Laboratory Corporation of America, LabCorp
Classification: Likely benign. Last evaluated: 2026-01-21. Review status: criteria provided, single submitter. Criteria: LabCorp Variant Classification Summary - May 2015. Collection method: clinical testing. Allele origin: germline.

Unidad de Genómica Garrahan, Hospital de Pediatría Garrahan
Classification: Benign. Last evaluated: 2024-01-24. Review status: criteria provided, single submitter. Criteria: ACMG Guidelines, 2015. Collection method: clinical testing. Allele origin: germline. Affected: no. Observed: 21 variant alleles.
Comment: This variant is classified as Benign based on local population frequency. This variant was detected in 22% of patients studied by a panel of primary immunodeficiencies. Number of patients: 21. Only high quality variants are reported.

Dr. Peter K. Rogan Lab, Western University
No classification provided (evidence only). Condition: Colorectal cancer. Review status: no classification provided. Collection method: in vitro. Allele origin: not applicable. Functional consequence: retained intron. Not counted in ClinVar's aggregate classification.

Dr. Peter K. Rogan Lab, Western University
No classification provided (evidence only). Condition: Colorectal cancer. Review status: no classification provided. Collection method: in vitro. Allele origin: not applicable. Functional consequence: retained intron. Not counted in ClinVar's aggregate classification.

Dr. Peter K. Rogan Lab, Western University
No classification provided (evidence only). Condition: Colorectal cancer. Review status: no classification provided. Collection method: in vitro. Allele origin: not applicable. Functional consequence: retained intron. Not counted in ClinVar's aggregate classification.

Dr. Peter K. Rogan Lab, Western University
No classification provided (evidence only). Condition: Colorectal cancer. Review status: no classification provided. Collection method: in vitro. Allele origin: not applicable. Functional consequence: retained intron. Not counted in ClinVar's aggregate classification.

Dr. Peter K. Rogan Lab, Western University
No classification provided (evidence only). Condition: Colorectal cancer. Review status: no classification provided. Collection method: in vitro. Allele origin: not applicable. Functional consequence: retained intron. Not counted in ClinVar's aggregate classification.

Dr. Peter K. Rogan Lab, Western University
No classification provided (evidence only). Condition: Malignant lymphoma, large B-cell, diffuse. Review status: no classification provided. Collection method: in vitro. Allele origin: not applicable. Functional consequence: retained intron. Not counted in ClinVar's aggregate classification.

Dr. Peter K. Rogan Lab, Western University
No classification provided (evidence only). Condition: Cholangiocarcinoma. Review status: no classification provided. Collection method: in vitro. Allele origin: not applicable. Functional consequence: retained intron. Not counted in ClinVar's aggregate classification.

Dr. Peter K. Rogan Lab, Western University
No classification provided (evidence only). Condition: Adrenocortical carcinoma, hereditary. Review status: no classification provided. Collection method: in vitro. Allele origin: not applicable. Functional consequence: retained intron. Not counted in ClinVar's aggregate classification.

Dr. Peter K. Rogan Lab, Western University
No classification provided (evidence only). Condition: Adrenocortical carcinoma, hereditary. Review status: no classification provided. Collection method: in vitro. Allele origin: not applicable. Functional consequence: retained intron. Not counted in ClinVar's aggregate classification.

Dr. Peter K. Rogan Lab, Western University
No classification provided (evidence only). Condition: Adrenocortical carcinoma, hereditary. Review status: no classification provided. Collection method: in vitro. Allele origin: not applicable. Functional consequence: retained intron. Not counted in ClinVar's aggregate classification.

Dr. Peter K. Rogan Lab, Western University
No classification provided (evidence only). Condition: Adrenocortical carcinoma, hereditary. Review status: no classification provided. Collection method: in vitro. Allele origin: not applicable. Functional consequence: retained intron. Not counted in ClinVar's aggregate classification.

Dr. Peter K. Rogan Lab, Western University
No classification provided (evidence only). Condition: Uveal melanoma. Review status: no classification provided. Collection method: in vitro. Allele origin: not applicable. Functional consequence: retained intron. Not counted in ClinVar's aggregate classification.

Dr. Peter K. Rogan Lab, Western University
No classification provided (evidence only). Condition: Uveal melanoma. Review status: no classification provided. Collection method: in vitro. Allele origin: not applicable. Functional consequence: retained intron. Not counted in ClinVar's aggregate classification.

Dr. Peter K. Rogan Lab, Western University
No classification provided (evidence only). Condition: Uveal melanoma. Review status: no classification provided. Collection method: in vitro. Allele origin: not applicable. Functional consequence: retained intron. Not counted in ClinVar's aggregate classification.

Dr. Peter K. Rogan Lab, Western University
No classification provided (evidence only). Condition: Uveal melanoma. Review status: no classification provided. Collection method: in vitro. Allele origin: not applicable. Functional consequence: retained intron. Not counted in ClinVar's aggregate classification.

Dr. Peter K. Rogan Lab, Western University
No classification provided (evidence only). Condition: Uveal melanoma. Review status: no classification provided. Collection method: in vitro. Allele origin: not applicable. Functional consequence: retained intron. Not counted in ClinVar's aggregate classification.

Dr. Peter K. Rogan Lab, Western University
No classification provided (evidence only). Condition: Uveal melanoma. Review status: no classification provided. Collection method: in vitro. Allele origin: not applicable. Functional consequence: retained intron. Not counted in ClinVar's aggregate classification.

Dr. Peter K. Rogan Lab, Western University
No classification provided (evidence only). Condition: Uveal melanoma. Review status: no classification provided. Collection method: in vitro. Allele origin: not applicable. Functional consequence: retained intron. Not counted in ClinVar's aggregate classification.

Dr. Peter K. Rogan Lab, Western University
No classification provided (evidence only). Condition: Uveal melanoma. Review status: no classification provided. Collection method: in vitro. Allele origin: not applicable. Functional consequence: retained intron. Not counted in ClinVar's aggregate classification.

Dr. Peter K. Rogan Lab, Western University
No classification provided (evidence only). Condition: Uveal melanoma. Review status: no classification provided. Collection method: in vitro. Allele origin: not applicable. Functional consequence: retained intron. Not counted in ClinVar's aggregate classification.